The following is an entry in ClinVar:

ClinVar aggregate classification (germline): Conflicting classifications of pathogenicity. Review status: criteria provided, conflicting classifications (1 of 4 stars). 4 submissions from 4 submitters: Uncertain significance (3); Likely benign (1). Last evaluated 2026-01-21.

Conditions:
KIF1B-related disorder. Also called: KIF1B-related condition.
Charcot-Marie-Tooth disease type 2A1. Also called: CHARCOT-MARIE-TOOTH DISEASE, AXONAL, AUTOSOMAL DOMINANT, TYPE 2A1; CHARCOT-MARIE-TOOTH DISEASE, NEURONAL, TYPE 2A1; CHARCOT-MARIE-TOOTH NEUROPATHY, TYPE 2A1; HEREDITARY MOTOR AND SENSORY NEUROPATHY IIA1; CHARCOT-MARIE-TOOTH DISEASE, AXONAL, TYPE 2A1. Identifiers: Orphanet 99946, MedGen C1861678, MONDO:0007308, OMIM 118210.
Neuroblastoma, susceptibility to, 1. Identifiers: MedGen C2749485, MONDO:0009741, OMIM 256700.
Charcot-Marie-Tooth disease type 2. Also called: Charcot-Marie-Tooth type 2. Identifiers: Orphanet 64746, MedGen C0270914, MONDO:0018993.

Allele frequency attached by ClinVar (database versions not stated): gnomAD 0.00006; ESP Exome Variant Server 0.00008; TOPMed 0.00009; 1000 Genomes Project 0.00040; 1000 Genomes Project 30x 0.00047.
gnomAD v4.1: 189 of 1,614,128 alleles (0.012%); highest among the groups gnomAD compares: East Asian, 0.018%; no homozygotes.

Submissions (4):

Labcorp Genetics (formerly Invitae), Labcorp
Classification: Uncertain significance for Charcot-Marie-Tooth disease type 2. Last evaluated: 2026-01-21. Review status: criteria provided, single submitter. Criteria: Invitae Variant Classification Sherloc (09022015). Collection method: clinical testing. Allele origin: germline.
Comment: This sequence change replaces threonine, which is neutral and polar, with methionine, which is neutral and non-polar, at codon 409 of the KIF1B protein (p.Thr409Met). This variant is present in population databases (rs201474903, gnomAD 0.04%), and has an allele count higher than expected for a pathogenic variant. This missense change has been observed in individual(s) with pheochromocytoma (PMID: 34750850). ClinVar contains an entry for this variant (Variation ID: 476776). An algorithm developed to predict the effect of missense changes on protein structure and function (PolyPhen-2) suggests that this variant is likely to be tolerated. In summary, the available evidence is currently insufficient to determine the role of this variant in disease. Therefore, it has been classified as a Variant of Uncertain Significance.

PreventionGenetics, part of Exact Sciences
Classification: Uncertain significance for KIF1B-related condition. Last evaluated: 2025-07-23. Review status: criteria provided, single submitter. Criteria: ACMG Guidelines, 2015. Collection method: clinical testing. Allele origin: germline.
Comment: The KIF1B c.1226C>T variant is predicted to result in the amino acid substitution p.Thr409Met. This variant has been reported as uncertain in an individual with phaeochromocytoma (Parisien-La Salle et al. 2022. PubMed ID: 34750850). This variant is reported in 0.040% of alleles in individuals of East Asian descent in gnomAD and has conflicting interpretations regarding its pathogenicity in ClinVar, ranging from likely benign to uncertain (Variation ID: 476776). Although we suspect that this variant may be benign, at this time, the clinical significance of this variant is uncertain due to the absence of conclusive functional and genetic evidence.

Department of Pathology and Laboratory Medicine, Sinai Health System
Classification: Uncertain significance for Charcot-Marie-Tooth disease type 2A1; Neuroblastoma, susceptibility to, 1. Last evaluated: 2022-12-15. Review status: criteria provided, single submitter. Criteria: ACMG Guidelines, 2015. Collection method: research. Allele origin: germline.

Ambry Genetics
Classification: Likely benign. Last evaluated: 2020-11-12. Review status: criteria provided, single submitter. Criteria: Ambry Variant Classification Scheme 2023. Collection method: clinical testing. Allele origin: germline.

Literature cited by the submitters: PubMed 34750850 (cited by Labcorp Genetics (formerly Invitae), Labcorp).

NM_001365951.3(KIF1B):c.1364C>T (p.Thr455Met)

Gene: KIF1B (kinesin family member 1B; plus strand). Cytogenetic location: 1p36.22.
Variant type: single nucleotide variant.
Coding change: c.1364C>T on transcript NM_001365951.3 (MANE Select); coding-DNA position 1364, C replaced by T.
Protein change: p.Thr455Met; replaces threonine 455 with methionine.
Molecular consequence: missense variant.
Genome position (GRCh38, 1-based): chr1:10,282,463, C>T. VCF-style: chr1-10282463-C-T. GRCh37 (hg19) VCF-style: chr1-10342521-C-T.
Other names: c.1364C>T, p.Thr455Met (NM_001365952.1); c.1226C>T, p.Thr409Met (NM_001365953.1, NM_015074.3, NM_183416.4); short protein forms T409M, T455M.
Identifiers: ClinVar variation 476776 (VCV000476776.14), dbSNP rs201474903, ClinGen allele CA580946.
Genomic context (GRCh38, chr1:10,282,463, plus strand): 5'-CCATGGGGTCCCTCACTTCATCCCCATCTTCCTGCTCACTCAGTAGTCAGGTGGGCTTGA[C>T]GTCTGTGACCAGTATTCAAGAGAGGATCATGTCTACACCTGGAGGAGAGGAAGCTATTGA-3'
Protein context (NP_001352880.1, residues 445-465): SCSLSSQVGL[Thr455Met]SVTSIQERIM